The following is an entry in ClinVar:

NM_000059.4(BRCA2):c.4710del (p.Glu1571fs)

Gene: BRCA2 (BRCA2 DNA repair associated; plus strand). Cytogenetic location: 13q13.1.
Variant type: Deletion.
Coding change: c.4710del on transcript NM_000059.4 (MANE Select); coding-DNA position 4710, one base deleted (A; older notation c.4710delA).
Protein change: p.Glu1571fs; shifts the reading frame from glutamic acid 1571.
Molecular consequence: frameshift variant.
Genome position (GRCh38, 1-based): chr13:32,339,065, A deleted. VCF-style (leftmost placement, unchanged base first): chr13-32339064-GA-G. GRCh37 (hg19) VCF-style: chr13-32913201-GA-G.
Other names: c.4710delA (NM_000059.3); short protein forms E1571fs.
Identifiers: ClinVar variation 440431 (VCV000440431.4), dbSNP rs1555283915, ClinGen allele CA645509348.

ClinVar aggregate classification (germline): Pathogenic. Review status: reviewed by expert panel (3 of 4 stars). 2 submissions from 2 submitters: Pathogenic (1). 1 of the submissions does not count toward it. Last evaluated 2017-12-15.

Conditions:
Breast-ovarian cancer, familial, susceptibility to, 2 (BROVCA2). Also called: BRCA2 Hereditary Breast and Ovarian Cancer. Identifiers: Orphanet 145, MedGen C2675520, MONDO:0012933, OMIM 612555. Disease mechanism: loss of function.

Submissions (2):

Evidence-based Network for the Interpretation of Germline Mutant Alleles (ENIGMA)
Classification: Pathogenic for Breast-ovarian cancer, familial, susceptibility to, 2. Last evaluated: 2017-12-15. Review status: reviewed by expert panel. Criteria: ENIGMA BRCA1/2 Classification Criteria (2017-06-29). Collection method: curation. Allele origin: germline. Study: ENIGMA.
Comment: Variant allele predicted to encode a truncated non-functional protein.

Department of Medical Genetics, Oslo University Hospital
Classification: Pathogenic for Breast-ovarian cancer, familial, susceptibility to, 2. Last evaluated: 2015-07-01. Review status: criteria provided, single submitter. Criteria: ACMG Guidelines, 2015. Collection method: clinical testing. Allele origin: germline. Affected: yes. Observed: 1 variant allele. Not counted in ClinVar's aggregate classification.